The following is an entry in ClinVar:

ClinVar aggregate classification (germline): Uncertain significance (1 of 4 stars; one submission).

Conditions:
Microcephaly 18, primary, autosomal dominant (MCPH18). Identifiers: MedGen C4479608, MONDO:0054593, OMIM 617520.

Submission:

Institute of Human Genetics, University of Leipzig Medical Center
Classification: Uncertain significance for Microcephaly 18, primary, autosomal dominant. Last evaluated: 2026-09-02. Review status: criteria provided, single submitter. Criteria: ACMG Guidelines, 2015. Collection method: clinical testing. Allele origin: unknown. Inheritance: Autosomal dominant inheritance. Affected: yes.
Comment: Criteria applied: PM2,PP2,PP3

NM_014991.6(WDFY3):c.778T>C (p.Cys260Arg)

Gene: WDFY3 (WD repeat and FYVE domain containing 3; minus strand). Cytogenetic location: 4q21.23.
Variant type: single nucleotide variant.
Coding change: c.778T>C on transcript NM_014991.6 (MANE Select); coding-DNA position 778, T replaced by C.
Protein change: p.Cys260Arg; replaces cysteine 260 with arginine.
Molecular consequence: missense variant.
Genome position (GRCh38, 1-based): chr4:84,829,182, A>G on the plus strand (T>C on the coding strand, the complement: WDFY3 is on the minus strand). VCF-style: chr4-84829182-A-G. GRCh37 (hg19) VCF-style: chr4-85750335-A-G.
Other names: short protein forms C260R.
Identifiers: ClinVar variation 4890747 (VCV004890747.1).